The following is an entry in ClinVar:

NM_017882.3(CLN6):c.84-18C>T

Gene: CLN6 (CLN6 transmembrane ER protein; minus strand). Cytogenetic location: 15q23.
Variant type: single nucleotide variant.
Coding change: c.84-18C>T on transcript NM_017882.3 (MANE Select); 18 bases into the intron before coding-DNA position 84, C replaced by T.
Molecular consequence: intron variant.
Genome position (GRCh38, 1-based): chr15:68,218,668, G>A on the plus strand (C>T on the coding strand, the complement: CLN6 is on the minus strand). VCF-style: chr15-68218668-G-A. GRCh37 (hg19) VCF-style: chr15-68511006-G-A.
Identifiers: ClinVar variation 136795 (VCV000136795.11), dbSNP rs201554701, ClinGen allele CA290140.

ClinVar aggregate classification (germline): Benign/Likely benign. Review status: criteria provided, multiple submitters, no conflicts (2 of 4 stars). 4 submissions from 4 submitters: Benign (2); Likely benign (2). Last evaluated 2026-01-27.

Conditions:
Neuronal ceroid lipofuscinosis. Also called: Neuronal Ceroid Lipofuscinoses. Identifiers: Orphanet 216, Orphanet 79263, MedGen C0027877, MONDO:0016295. Disease mechanism: loss of function.

Allele frequency attached by ClinVar (database versions not stated): ESP Exome Variant Server 0.00015; gnomAD 0.00017 and 0.00022; TOPMed 0.00018; ExAC 0.00021; gnomAD exomes 0.00027.
gnomAD v4.1: 206 of 1,591,120 alleles (0.013%); highest among the groups gnomAD compares: East Asian, 0.02%; no homozygotes.

Submissions (4):

Labcorp Genetics (formerly Invitae), Labcorp
Classification: Benign for Neuronal ceroid lipofuscinosis. Last evaluated: 2026-01-27. Review status: criteria provided, single submitter. Criteria: Invitae Variant Classification Sherloc (09022015). Collection method: clinical testing. Allele origin: germline.

ARUP Laboratories, Molecular Genetics and Genomics, ARUP Laboratories
Classification: Likely benign. Last evaluated: 2024-10-25. Review status: criteria provided, single submitter. Criteria: ARUP Molecular Germline Variant Investigation Process 2024. Collection method: clinical testing. Allele origin: germline.

Blueprint Genetics
Classification: Likely benign. Last evaluated: 2023-11-23. Review status: criteria provided, single submitter. Criteria: ACMG Guidelines, 2015. Collection method: clinical testing. Allele origin: germline.

GeneDx
Classification: Benign. Last evaluated: 2013-10-14. Review status: criteria provided, single submitter. Criteria: GeneDx Variant Classification (06012015). Collection method: clinical testing. Allele origin: germline. Affected: yes.
Comment: This variant is considered likely benign or benign based on one or more of the following criteria: it is a conservative change, it occurs at a poorly conserved position in the protein, it is predicted to be benign by multiple in silico algorithms, and/or has population frequency not consistent with disease.